The following is an entry in ClinVar:

ClinVar aggregate classification (germline): Likely benign. Review status: criteria provided, single submitter (1 of 4 stars). 2 submissions from 2 submitters: Likely benign (1). 1 of the submissions does not count toward it. Last evaluated 2023-05-25.

Conditions:
TRAPPC9-related disorder. Also called: TRAPPC9-related condition.

Allele frequency attached by ClinVar (database versions not stated): gnomAD exomes 0.00001; gnomAD 0.00003; ExAC 0.00005; TOPMed 0.00005.
gnomAD v4.1: 16 of 1,563,004 alleles (0.001%); highest among the groups gnomAD compares: Middle Eastern, 0.033%; no homozygotes.

Submissions (2):

Labcorp Genetics (formerly Invitae), Labcorp
Classification: Likely benign. Last evaluated: 2023-05-25. Review status: criteria provided, single submitter. Criteria: Invitae Variant Classification Sherloc (09022015). Collection method: clinical testing. Allele origin: germline.

PreventionGenetics, part of Exact Sciences
Classification: Likely benign for TRAPPC9-related condition. Last evaluated: 2023-02-03. Review status: no assertion criteria provided. Collection method: clinical testing. Allele origin: germline. Not counted in ClinVar's aggregate classification.
Comment: This variant is classified as likely benign based on ACMG/AMP sequence variant interpretation guidelines (Richards et al. 2015 PMID: 25741868, with internal and published modifications).

NM_001160372.4(TRAPPC9):c.3051G>A (p.Gln1017=)

Gene: TRAPPC9 (trafficking protein particle complex subunit 9; minus strand). Cytogenetic location: 8q24.3.
Variant type: single nucleotide variant.
Coding change: c.3051G>A on transcript NM_001160372.4 (MANE Select); coding-DNA position 3051, G replaced by A.
Protein change: p.Gln1017=; no amino-acid change (glutamine 1017 retained).
Molecular consequence: synonymous variant. On other transcripts: non-coding transcript variant (1).
Genome position (GRCh38, 1-based): chr8:139,885,883, C>T on the plus strand (G>A on the coding strand, the complement: TRAPPC9 is on the minus strand). VCF-style: chr8-139885883-C-T. GRCh37 (hg19) VCF-style: chr8-140898127-C-T.
Other names: c.3345G>A (NM_031466.7); c.3024G>A, p.Gln1008= (NM_001321646.2); c.3072G>A, p.Gln1024= (NM_001374682.1); c.2940G>A, p.Gln980= (NM_001374683.1); c.2907G>A, p.Gln969= (NM_001374684.1); c.3051G>A, p.Gln1017= (NM_031466.8).
Identifiers: ClinVar variation 2972076 (VCV002972076.5), dbSNP rs765566554, ClinGen allele CA4892838.